The following is an entry in ClinVar:

ClinVar aggregate classification (germline): Likely benign (1 of 4 stars; one submission).

Conditions:
MGAM-related disorder. Also called: MGAM-related condition.

gnomAD v4.1: 577 of 1,554,946 alleles (0.037%); highest among the groups gnomAD compares: African/African-American, 0.68%; 28 homozygotes.

Submission:

PreventionGenetics, part of Exact Sciences
Classification: Likely benign for MGAM-related condition. Last evaluated: 2025-04-12. Review status: criteria provided, single submitter. Criteria: ACMG Guidelines, 2015. Collection method: clinical testing. Allele origin: germline.
Comment: This variant is classified as likely benign based on ACMG/AMP sequence variant interpretation guidelines (Richards et al. 2015 PMID: 25741868, with internal and published modifications).

NM_001365693.1(MGAM):c.5429C>A (p.Thr1810Lys)

Gene: MGAM (maltase-glucoamylase; plus strand). Cytogenetic location: 7q34.
Variant type: single nucleotide variant.
Coding change: c.5429C>A on transcript NM_001365693.1 (MANE Select); coding-DNA position 5429, C replaced by A.
Protein change: p.Thr1810Lys; replaces threonine 1810 with lysine.
Molecular consequence: missense variant. On other transcripts: intron variant (1).
Genome position (GRCh38, 1-based): chr7:142,076,762, C>A. VCF-style: chr7-142076762-C-A. GRCh37 (hg19) VCF-style: chr7-141776562-C-A.
Other names: c.4618+11294C>A (NM_004668.3); short protein forms T1810K.
Identifiers: ClinVar variation 4988809 (VCV004988809.1).